The following is an entry in ClinVar:

NM_198129.4(LAMA3):c.5016C>A (p.Tyr1672Ter)

Gene: LAMA3 (laminin subunit alpha 3; plus strand). Cytogenetic location: 18q11.2.
Variant type: single nucleotide variant.
Coding change: c.5016C>A on transcript NM_198129.4 (MANE Select); coding-DNA position 5016, C replaced by A.
Protein change: p.Tyr1672Ter; replaces tyrosine 1672 with a stop codon.
Molecular consequence: nonsense.
Genome position (GRCh38, 1-based): chr18:23,876,311, C>A. VCF-style: chr18-23876311-C-A. GRCh37 (hg19) VCF-style: chr18-21456275-C-A.
Other names: c.189C>A, p.Tyr63Ter (NM_000227.6, NM_001127718.4); c.5016C>A, p.Tyr1672Ter (NM_001127717.4); short protein forms Y1672*, Y63*.
Identifiers: ClinVar variation 488702 (VCV000488702.2), dbSNP rs1169182678, ClinGen allele CA402044885.

ClinVar aggregate classification (germline): Pathogenic (1 of 4 stars; one submission).

Submission:

GeneDx
Classification: Pathogenic. Last evaluated: 2016-10-21. Review status: criteria provided, single submitter. Criteria: GeneDx Variant Classification (06012015). Collection method: clinical testing. Allele origin: germline. Affected: yes.
Comment: The Y63X nonsense variant in the LAMA3 gene is predicted to cause loss of normal protein function either through protein truncation or nonsense-mediated mRNA decay. Additionally, it was not observed in approximately 6,500 individuals of European and African American ancestry in the NHLBI Exome Sequencing Project, indicating it is not a common benign variant in these populations. Although this variant has not been reported previously to our knowledge, we consider Y63X to be pathogenic.